The following is an entry in ClinVar:

NM_004380.3(CREBBP):c.216G>T (p.Glu72Asp)

Gene: CREBBP (CREB binding lysine acetyltransferase; minus strand). Cytogenetic location: 16p13.3.
Variant type: single nucleotide variant.
Coding change: c.216G>T on transcript NM_004380.3 (MANE Select); coding-DNA position 216, G replaced by T.
Protein change: p.Glu72Asp; replaces glutamic acid 72 with aspartic acid.
Molecular consequence: missense variant.
Genome position (GRCh38, 1-based): chr16:3,850,879, C>A on the plus strand (G>T on the coding strand, the complement: CREBBP is on the minus strand). VCF-style: chr16-3850879-C-A. GRCh37 (hg19) VCF-style: chr16-3900880-C-A.
Other names: c.216G>T, p.Glu72Asp (NM_001079846.1); short protein forms E72D.
Identifiers: ClinVar variation 2404060 (VCV002404060.5), dbSNP rs534853661, ClinGen allele CA7870724.
Genomic context (GRCh38, chr16:3,850,879, plus strand): 5'-GCTGGCGCTCACATTTCCTATTCCTGGGTTGATACTAGAGCCGCTGCCTCCTCGTAGAAG[C>A]TCCGACAGTTGTTTATGTTTGGAAGCAGCATCTGGAACAAGGTTCCCACTGTTTAAAAGG-3'
Protein context (NP_004371.2, residues 62-82): DAASKHKQLS[Glu72Asp]LLRGGSGSSI

ClinVar aggregate classification (germline): Benign/Likely benign. Review status: criteria provided, multiple submitters, no conflicts (2 of 4 stars). 3 submissions from 3 submitters: Benign (1); Likely benign (1). 1 of the submissions does not count toward it. Last evaluated 2024-11-10.

Conditions:
Rubinstein-Taybi syndrome (RSTS). Identifiers: Orphanet 783, MedGen C0035934, MONDO:0019188.
CREBBP-related disorder. Also called: CREBBP-related disorders; CREBBP-related condition.
Inborn genetic diseases. Identifiers: MedGen C0950123, MeSH D030342.

Allele frequency attached by ClinVar (database versions not stated): gnomAD 0.00007; gnomAD exomes 0.00007; ExAC 0.00015.
gnomAD v4.1: 112 of 1,614,168 alleles (0.0069%); highest among the groups gnomAD compares: South Asian, 0.12%; 2 homozygotes.

Submissions (3):

Labcorp Genetics (formerly Invitae), Labcorp
Classification: Benign for Rubinstein-Taybi syndrome. Last evaluated: 2024-11-10. Review status: criteria provided, single submitter. Criteria: Invitae Variant Classification Sherloc (09022015). Collection method: clinical testing. Allele origin: germline.

Ambry Genetics
Classification: Likely benign for Inborn genetic diseases. Last evaluated: 2022-06-24. Review status: criteria provided, single submitter. Criteria: Ambry Variant Classification Scheme 2023. Collection method: clinical testing. Allele origin: germline.

PreventionGenetics, part of Exact Sciences
Classification: Likely benign for CREBBP-related condition. Last evaluated: 2022-04-07. Review status: no assertion criteria provided. Collection method: clinical testing. Allele origin: germline. Not counted in ClinVar's aggregate classification.
Comment: This variant is classified as likely benign based on ACMG/AMP sequence variant interpretation guidelines (Richards et al. 2015 PMID: 25741868, with internal and published modifications).